The following is an entry in ClinVar:

ClinVar aggregate classification (germline): Conflicting classifications of pathogenicity. Review status: criteria provided, conflicting classifications (1 of 4 stars). 2 submissions from 2 submitters: Likely pathogenic (1); Uncertain significance (1). Last evaluated 2026-08-01.

Submissions (2):

CeGaT Center for Human Genetics Tuebingen
Classification: Likely pathogenic. Last evaluated: 2026-08-01. Review status: criteria provided, single submitter. Criteria: CeGaT Center For Human Genetics Tuebingen Variant Classification Criteria Version 2. Collection method: clinical testing. Allele origin: germline. Affected: yes. Observed: 1 variant allele.
Comment: TET2: PVS1:Strong, PM2

Labcorp Genetics (formerly Invitae), Labcorp
Classification: Uncertain significance. Last evaluated: 2024-05-08. Review status: criteria provided, single submitter. Criteria: Invitae Variant Classification Sherloc (09022015). Collection method: clinical testing. Allele origin: germline.
Comment: This sequence change creates a premature translational stop signal (p.Ser1638*) in the TET2 gene. While this is not anticipated to result in nonsense mediated decay, it is expected to disrupt the last 365 amino acid(s) of the TET2 protein. This variant is present in population databases (no rsID available, gnomAD 0.01%). This variant has not been reported in the literature in individuals affected with TET2-related conditions. Experimental studies and prediction algorithms are not available or were not evaluated, and the functional significance of this variant is currently unknown. In summary, the available evidence is currently insufficient to determine the role of this variant in disease. Therefore, it has been classified as a Variant of Uncertain Significance.

NM_001127208.3(TET2):c.4913C>G (p.Ser1638Ter)

Genes: TET2 (tet methylcytosine dioxygenase 2; plus strand), TET2-AS1 (TET2 antisense RNA 1; minus strand). Cytogenetic location: 4q24.
Variant type: single nucleotide variant.
Coding change: c.4913C>G on transcript NM_001127208.3 (MANE Select); coding-DNA position 4913, C replaced by G.
Protein change: p.Ser1638Ter; replaces serine 1638 with a stop codon.
Molecular consequence: nonsense.
Genome position (GRCh38, 1-based): chr4:105,275,423, C>G. VCF-style: chr4-105275423-C-G. GRCh37 (hg19) VCF-style: chr4-106196580-C-G.
Other names: short protein forms S1638*.
Identifiers: ClinVar variation 2778240 (VCV002778240.4), dbSNP rs1372410810, ClinGen allele CA357813739.